The following is an entry in ClinVar:

NM_001036.6(RYR3):c.2363G>A (p.Arg788His)

Gene: RYR3 (ryanodine receptor 3; plus strand). Cytogenetic location: 15q14.
Variant type: single nucleotide variant.
Coding change: c.2363G>A on transcript NM_001036.6 (MANE Select); coding-DNA position 2363, G replaced by A.
Protein change: p.Arg788His; replaces arginine 788 with histidine.
Molecular consequence: missense variant.
Genome position (GRCh38, 1-based): chr15:33,623,812, G>A. VCF-style: chr15-33623812-G-A. GRCh37 (hg19) VCF-style: chr15-33916013-G-A.
Other names: c.2363G>A, p.Arg788His (NM_001243996.4); short protein forms R788H.
Identifiers: ClinVar variation 847535 (VCV000847535.11), dbSNP rs756680726, ClinGen allele CA7458421.

ClinVar aggregate classification (germline): Uncertain significance. Review status: criteria provided, multiple submitters, no conflicts (2 of 4 stars). 2 submissions from 2 submitters: Uncertain significance (2). Last evaluated 2025-08-27.

Conditions:
Epileptic encephalopathy. Identifiers: MedGen C0543888, HP:0200134.

Allele frequency attached by ClinVar (database versions not stated): gnomAD 0.00001; ExAC 0.00002; gnomAD exomes 0.00001; TOPMed 0.00002.
gnomAD v4.1: 14 of 1,608,740 alleles (0.00087%); highest among the groups gnomAD compares: East Asian, 0.0022%; no homozygotes.

Submissions (2):

Dasa
Classification: Uncertain significance. Last evaluated: 2025-08-27. Review status: criteria provided, single submitter. Criteria: DASA Assertion Criteria. Collection method: clinical testing. Allele origin: germline.
Comment: NM_001036.6(RYR3):c.2363G>A (p.Arg788His) is a missense variant that results in the substitution of arginine with histidine. This variant is rare in population databases. The currently available literature and clinical evidence are not sufficient to establish a definitive association between this variant and the reported condition. Therefore, this variant is classified as a variant of uncertain significance.

Labcorp Genetics (formerly Invitae), Labcorp
Classification: Uncertain significance for Epileptic encephalopathy. Last evaluated: 2021-04-27. Review status: criteria provided, single submitter. Criteria: Invitae Variant Classification Sherloc (09022015). Collection method: clinical testing. Allele origin: germline.
Comment: In summary, the available evidence is currently insufficient to determine the role of this variant in disease. Therefore, it has been classified as a Variant of Uncertain Significance. Algorithms developed to predict the effect of missense changes on protein structure and function (SIFT, PolyPhen-2, Align-GVGD) all suggest that this variant is likely to be tolerated, but these predictions have not been confirmed by published functional studies and their clinical significance is uncertain. This variant has not been reported in the literature in individuals with RYR3-related conditions. This variant is present in population databases (rs756680726, ExAC 0.02%). This sequence change replaces arginine with histidine at codon 788 of the RYR3 protein (p.Arg788His). The arginine residue is highly conserved and there is a small physicochemical difference between arginine and histidine.